The following is an entry in ClinVar:

ClinVar aggregate classification (germline): Pathogenic (1 of 4 stars; one submission).

Submission:

Labcorp Genetics (formerly Invitae), Labcorp
Classification: Pathogenic. Last evaluated: 2021-05-03. Review status: criteria provided, single submitter. Criteria: Invitae Variant Classification Sherloc (09022015). Collection method: clinical testing. Allele origin: germline.
Comment: This variant has not been reported in the literature in individuals with SLC39A4-related conditions. This sequence change creates a premature translational stop signal (p.Asp53Argfs*85) in the SLC39A4 gene. It is expected to result in an absent or disrupted protein product. Loss-of-function variants in SLC39A4 are known to be pathogenic (PMID: 12955721). This variant is not present in population databases (ExAC no frequency). For these reasons, this variant has been classified as Pathogenic.

Literature cited by the submitters: PubMed 12955721.

NM_130849.4(SLC39A4):c.155_156dup (p.Asp53fs)

Gene: SLC39A4 (solute carrier family 39 member 4; minus strand). Cytogenetic location: 8q24.3.
Variant type: Duplication.
Coding change: c.155_156dup on transcript NM_130849.4 (MANE Select); coding-DNA positions 155 to 156, 2 bases duplicated (CG; older notation c.155_156dupCG).
Protein change: p.Asp53fs; shifts the reading frame from aspartic acid 53.
Molecular consequence: frameshift variant.
Genome position (GRCh38, 1-based): chr8:144,416,634-144,416,635, CG duplicated on the plus strand (CG on the coding strand, the reverse complement: SLC39A4 is on the minus strand); duplicating any 2 consecutive bases within chr8:144,416,634-144,416,636 gives the same sequence; the c. name uses the placement nearest the transcript's 3' end. VCF-style (leftmost placement, unchanged base first): chr8-144416633-C-CCG. GRCh37 (hg19) VCF-style: chr8-145642017-C-CCG.
Other names: c.155_156dup, p.Asp53fs (NM_001374839.1); short protein forms D53fs.
Identifiers: ClinVar variation 1383544 (VCV001383544.6), dbSNP rs2130804157, ClinGen allele CA2573143008.